The following is an entry in ClinVar:

NM_001377.3(DYNC2H1):c.195+1G>A

Gene: DYNC2H1 (dynein cytoplasmic 2 heavy chain 1; plus strand). Cytogenetic location: 11q22.3.
Variant type: single nucleotide variant.
Coding change: c.195+1G>A on transcript NM_001377.3 (MANE Select); the canonical splice donor site of the intron after coding-DNA position 195, G replaced by A.
Molecular consequence: splice donor variant.
Genome position (GRCh38, 1-based): chr11:103,109,770, G>A. VCF-style: chr11-103109770-G-A. GRCh37 (hg19) VCF-style: chr11-102980499-G-A.
Other names: c.195+1G>A (NM_001080463.2).
Identifiers: ClinVar variation 2799294 (VCV002799294.3), dbSNP rs2496746746, ClinGen allele CA382241480.
Genomic context (GRCh38, chr11:103,109,770, plus strand): 5'-GGCAACCAGATGCTCCTCAGGGTGCAGCGATCCGACGCAGGAATCTCCTTTTCCAACACG[G>A]TACGGTTCCTTGCACTCCTGCCTGACCCCTGACCACTCTTCAAGTCCCCAGGCCCAGCCA-3'

ClinVar aggregate classification (germline): Likely pathogenic (1 of 4 stars; one submission).

Conditions:
Jeune thoracic dystrophy. Also called: Short-rib thoracic dysplasia; Jeune syndrome; Infantile thoracic dystrophy; Thoracic pelvic phalangeal dystrophy; Jeune's syndrome; Chondroectodermal dysplasia-like syndrome. Identifiers: Orphanet 474, MedGen C0265275, MONDO:0018770.

Submission:

Labcorp Genetics (formerly Invitae), Labcorp
Classification: Likely pathogenic for Jeune thoracic dystrophy. Last evaluated: 2023-08-10. Review status: criteria provided, single submitter. Criteria: Invitae Variant Classification Sherloc (09022015). Collection method: clinical testing. Allele origin: germline.
Comment: In summary, the currently available evidence indicates that the variant is pathogenic, but additional data are needed to prove that conclusively. Therefore, this variant has been classified as Likely Pathogenic. Algorithms developed to predict the effect of sequence changes on RNA splicing suggest that this variant may disrupt the consensus splice site. This variant has not been reported in the literature in individuals affected with DYNC2H1-related conditions. This variant is not present in population databases (gnomAD no frequency). This sequence change affects a donor splice site in intron 1 of the DYNC2H1 gene. It is expected to disrupt RNA splicing. Variants that disrupt the donor or acceptor splice site typically lead to a loss of protein function (PMID: 16199547), and loss-of-function variants in DYNC2H1 are known to be pathogenic (PMID: 23339108, 32753734, 33755199).

Literature cited by the submitters: PubMed 16199547; PubMed 23339108; PubMed 32753734; PubMed 33755199.